The following is an entry in ClinVar:

NM_016327.3(UPB1):c.670C>T (p.Gln224Ter)

Gene: UPB1 (beta-ureidopropionase 1; plus strand). Cytogenetic location: 22q11.23.
Variant type: single nucleotide variant.
Coding change: c.670C>T on transcript NM_016327.3 (MANE Select); coding-DNA position 670, C replaced by T.
Protein change: p.Gln224Ter; replaces glutamine 224 with a stop codon.
Molecular consequence: nonsense.
Genome position (GRCh38, 1-based): chr22:24,515,249, C>T. VCF-style: chr22-24515249-C-T. GRCh37 (hg19) VCF-style: chr22-24911217-C-T.
Other names: short protein forms Q224*.
Identifiers: ClinVar variation 2627297 (VCV002627297.1), dbSNP rs1296034492, ClinGen allele CA410966451.

ClinVar aggregate classification (germline): Pathogenic (1 of 4 stars; one submission).

Conditions:
Deficiency of beta-ureidopropionase (UPB1D). Also called: Beta-ureidopropionase deficiency. Identifiers: Orphanet 65287, MedGen C1291512, MONDO:0013164, OMIM 613161.

Allele frequency attached by ClinVar (database versions not stated): TOPMed below 0.00001; gnomAD exomes 0.00001.

Submission:

Women's Health and Genetics/Laboratory Corporation of America, LabCorp
Classification: Pathogenic for Deficiency of beta-ureidopropionase. Last evaluated: 2023-09-21. Review status: criteria provided, single submitter. Criteria: LabCorp Variant Classification Summary - May 2015. Collection method: clinical testing. Allele origin: germline.
Comment: Variant summary: UPB1 c.670C>T (p.Gln224X) results in a premature termination codon, predicted to cause absence of the protein due to nonsense mediated decay, which is a commonly known mechanism for disease. The variant was absent in 251472 control chromosomes (gnomAD). To our knowledge, no occurrence of c.670C>T in individuals affected with Deficiency Of Beta-Ureidopropionase and no experimental evidence demonstrating its impact on protein function have been reported. No submitters have cited clinical-significance assessments for this variant to ClinVar after 2014. Based on the evidence outlined above, the variant was classified as pathogenic.